The following is an entry in ClinVar:

ClinVar aggregate classification (germline): Uncertain significance. Review status: criteria provided, multiple submitters, no conflicts (2 of 4 stars). 2 submissions from 2 submitters: Uncertain significance (2). Last evaluated 2026-01-20.

Conditions:
Familial thoracic aortic aneurysm and aortic dissection (TAAD). Also called: Thoracic aortic aneurysms and dissections. Identifiers: Orphanet 91387, MedGen C4707243, MONDO:0019625.

Allele frequency attached by ClinVar (database versions not stated): gnomAD exomes 0.00001; TOPMed 0.00001; ExAC 0.00002.
gnomAD v4.1: 9 of 1,613,988 alleles (0.00056%); highest among the groups gnomAD compares: Non-Finnish European, 0.00025%; no homozygotes.

Submissions (2):

Labcorp Genetics (formerly Invitae), Labcorp
Classification: Uncertain significance for Familial thoracic aortic aneurysm and aortic dissection. Last evaluated: 2026-01-20. Review status: criteria provided, single submitter. Criteria: Invitae Variant Classification Sherloc (09022015). Collection method: clinical testing. Allele origin: germline.
Comment: This sequence change replaces asparagine, which is neutral and polar, with aspartic acid, which is acidic and polar, at codon 102 of the TGFBR1 protein (p.Asn102Asp). This variant is present in population databases (rs769320006, gnomAD 0.009%). This variant has not been reported in the literature in individuals affected with TGFBR1-related conditions. ClinVar contains an entry for this variant (Variation ID: 543898). Invitae Evidence Modeling of protein sequence and biophysical properties (such as structural, functional, and spatial information, amino acid conservation, physicochemical variation, residue mobility, and thermodynamic stability) indicates that this missense variant is not expected to disrupt TGFBR1 protein function with a negative predictive value of 80%. In summary, the available evidence is currently insufficient to determine the role of this variant in disease. Therefore, it has been classified as a Variant of Uncertain Significance.

Ambry Genetics
Classification: Uncertain significance for Familial thoracic aortic aneurysm and aortic dissection. Last evaluated: 2022-03-11. Review status: criteria provided, single submitter. Criteria: Ambry Variant Classification Scheme 2023. Collection method: clinical testing. Allele origin: germline.
Comment: The p.N102D variant (also known as c.304A>G), located in coding exon 2 of the TGFBR1 gene, results from an A to G substitution at nucleotide position 304. The asparagine at codon 102 is replaced by aspartic acid, an amino acid with highly similar properties. This amino acid position is not well conserved in available vertebrate species. In addition, this alteration is predicted to be tolerated by in silico analysis. Since supporting evidence is limited at this time, the clinical significance of this alteration remains unclear.

NM_004612.4(TGFBR1):c.304A>G (p.Asn102Asp)

Gene: TGFBR1 (transforming growth factor beta receptor 1; plus strand). Cytogenetic location: 9q22.33.
Variant type: single nucleotide variant.
Coding change: c.304A>G on transcript NM_004612.4 (MANE Select); coding-DNA position 304, A replaced by G.
Protein change: p.Asn102Asp; replaces asparagine 102 with aspartic acid.
Molecular consequence: missense variant.
Genome position (GRCh38, 1-based): chr9:99,129,061, A>G. VCF-style: chr9-99129061-A-G. GRCh37 (hg19) VCF-style: chr9-101891343-A-G.
Other names: c.304A>G, p.Asn102Asp (NM_001130916.3, NM_001306210.2); short protein forms N102D.
Identifiers: ClinVar variation 543898 (VCV000543898.11), dbSNP rs769320006, ClinGen allele CA041461.